The following is an entry in ClinVar:

NM_032861.4(SERAC1):c.1259T>C (p.Ile420Thr)

Gene: SERAC1 (serine active site containing 1; minus strand). Cytogenetic location: 6q25.3.
Variant type: single nucleotide variant.
Coding change: c.1259T>C on transcript NM_032861.4 (MANE Select); coding-DNA position 1259, T replaced by C.
Protein change: p.Ile420Thr; replaces isoleucine 420 with threonine.
Molecular consequence: missense variant. On other transcripts: non-coding transcript variant (1).
Genome position (GRCh38, 1-based): chr6:158,119,078, A>G on the plus strand (T>C on the coding strand, the complement: SERAC1 is on the minus strand). VCF-style: chr6-158119078-A-G. GRCh37 (hg19) VCF-style: chr6-158540110-A-G.
Other names: short protein forms I420T.
Identifiers: ClinVar variation 1301425 (VCV001301425.8), dbSNP rs114741005, ClinGen allele CA4071159.

ClinVar aggregate classification (germline): Conflicting classifications of pathogenicity. Review status: criteria provided, conflicting classifications (1 of 4 stars). 4 submissions from 4 submitters: Uncertain significance (3); Likely benign (1). Last evaluated 2025-08-10.

Conditions:
3-methylglutaconic aciduria with deafness, encephalopathy, and Leigh-like syndrome (MEGDEL). Also called: 3-METHYLGLUTACONIC ACIDURIA, TYPE VI; SERAC1 Deficiency; MEGDEL syndrome. Identifiers: Orphanet 352328, MedGen C4040739, MONDO:0013875, OMIM 614739.
Inborn genetic diseases. Identifiers: MedGen C0950123, MeSH D030342.

Allele frequency attached by ClinVar (database versions not stated): gnomAD exomes 0.00003 and 0.00007; ExAC 0.00004; ESP Exome Variant Server 0.00015; TOPMed 0.00031; gnomAD 0.00036; 1000 Genomes Project 0.00060; 1000 Genomes Project 30x 0.00062.
gnomAD v4.1: 112 of 1,614,028 alleles (0.0069%); highest among the groups gnomAD compares: African/African-American, 0.12%; no homozygotes.

Submissions (4):

Ambry Genetics
Classification: Likely benign for Inborn genetic diseases. Last evaluated: 2025-08-10. Review status: criteria provided, single submitter. Criteria: Ambry Variant Classification Scheme 2023. Collection method: clinical testing. Allele origin: germline.

Labcorp Genetics (formerly Invitae), Labcorp
Classification: Uncertain significance for 3-methylglutaconic aciduria with deafness, encephalopathy, and Leigh-like syndrome. Last evaluated: 2023-12-11. Review status: criteria provided, single submitter. Criteria: Invitae Variant Classification Sherloc (09022015). Collection method: clinical testing. Allele origin: germline.
Comment: This sequence change replaces isoleucine, which is neutral and non-polar, with threonine, which is neutral and polar, at codon 420 of the SERAC1 protein (p.Ile420Thr). This variant is present in population databases (rs114741005, gnomAD 0.09%). This variant has not been reported in the literature in individuals affected with SERAC1-related conditions. ClinVar contains an entry for this variant (Variation ID: 1301425). Advanced modeling of protein sequence and biophysical properties (such as structural, functional, and spatial information, amino acid conservation, physicochemical variation, residue mobility, and thermodynamic stability) performed at Invitae indicates that this missense variant is not expected to disrupt SERAC1 protein function with a negative predictive value of 80%. In summary, the available evidence is currently insufficient to determine the role of this variant in disease. Therefore, it has been classified as a Variant of Uncertain Significance.

Genome-Nilou Lab
Classification: Uncertain significance for 3-methylglutaconic aciduria with deafness, encephalopathy, and Leigh-like syndrome. Last evaluated: 2022-03-15. Review status: criteria provided, single submitter. Criteria: ACMG Guidelines, 2015. Collection method: clinical testing. Allele origin: germline. Affected: no.

GeneDx
Classification: Uncertain significance. Last evaluated: 2021-10-21. Review status: criteria provided, single submitter. Criteria: GeneDx Variant Classification Process June 2021. Collection method: clinical testing. Allele origin: germline. Affected: yes.
Comment: In silico analysis supports that this missense variant does not alter protein structure/function; Has not been previously published as pathogenic or benign to our knowledge